The following is an entry in ClinVar:

ClinVar aggregate classification (germline): Uncertain significance (1 of 4 stars; one submission).

gnomAD v4.1: 1 of 1,611,554 alleles (0.000062%); highest among the groups gnomAD compares: African/African-American, 0.0013%; no homozygotes.

Submission:

Labcorp Genetics (formerly Invitae), Labcorp
Classification: Uncertain significance. Last evaluated: 2025-06-12. Review status: criteria provided, single submitter. Criteria: Invitae Variant Classification Sherloc (09022015). Collection method: clinical testing. Allele origin: germline.
Comment: This sequence change replaces serine, which is neutral and polar, with glycine, which is neutral and non-polar, at codon 997 of the ANLN protein (p.Ser997Gly). This variant is not present in population databases (gnomAD no frequency). This variant has not been reported in the literature in individuals affected with ANLN-related conditions. ClinVar contains an entry for this variant (Variation ID: 3712869). Invitae Evidence Modeling of protein sequence and biophysical properties (such as structural, functional, and spatial information, amino acid conservation, physicochemical variation, residue mobility, and thermodynamic stability) indicates that this missense variant is not expected to disrupt ANLN protein function with a negative predictive value of 80%. In summary, the available evidence is currently insufficient to determine the role of this variant in disease. Therefore, it has been classified as a Variant of Uncertain Significance.

NM_018685.5(ANLN):c.2989A>G (p.Ser997Gly)

Gene: ANLN (anillin, actin binding protein; plus strand). Cytogenetic location: 7p14.2.
Variant type: single nucleotide variant.
Coding change: c.2989A>G on transcript NM_018685.5 (MANE Select); coding-DNA position 2989, A replaced by G.
Protein change: p.Ser997Gly; replaces serine 997 with glycine.
Molecular consequence: missense variant.
Genome position (GRCh38, 1-based): chr7:36,443,773, A>G. VCF-style: chr7-36443773-A-G. GRCh37 (hg19) VCF-style: chr7-36483382-A-G.
Other names: c.2878A>G, p.Ser960Gly (NM_001284301.3); c.2875A>G, p.Ser959Gly (NM_001284302.3); short protein forms S959G, S997G, S960G.
Identifiers: ClinVar variation 3712869 (VCV003712869.2).